The following is an entry in ClinVar:

ClinVar aggregate classification (germline): Pathogenic/Likely pathogenic. Review status: criteria provided, multiple submitters, no conflicts (2 of 4 stars). 2 submissions from 2 submitters: Pathogenic (1); Likely pathogenic (1). Last evaluated 2025-02-03.

Conditions:
Long chain 3-hydroxyacyl-CoA dehydrogenase deficiency. Also called: Deficiency of long-chain 3-hydroxyacyl-coenzyme A dehydrogenase; LCHAD Deficiency. Identifiers: Orphanet 5, MedGen C3711645, MONDO:0012173, OMIM 609016.

Submissions (2):

Natera, Inc.
Classification: Likely pathogenic for Deficiency of long-chain 3-hydroxyacyl-coenzyme A dehydrogenase. Last evaluated: 2025-02-03. Review status: criteria provided, single submitter. Criteria: Natera Variant Classification Schema (03/2026). Collection method: clinical testing. Allele origin: germline.
Comment: The c.721del variant in HADHA is a frameshift variant predicted to shift the reading frame beginning at codon 241 and leads to a stop codon 11 codons downstream. This variant is expected to result in nonsense mediated decay, truncation, or a dysfunctional protein product. This variant is rare in the general population with a frequency below the threshold expected for the associated phenotype(s). Given the available evidence, this variant is classified as Likely Pathogenic.

Myriad Genetics, Inc.
Classification: Pathogenic for Long chain 3-hydroxyacyl-CoA dehydrogenase deficiency. Last evaluated: 2023-08-14. Review status: criteria provided, single submitter. Criteria: Myriad Autosomal Dominant, Autosomal Recessive and X-Linked Classification Criteria (2023). Collection method: clinical testing. Allele origin: unknown.
Comment: NM_000182.4(HADHA):c.721delG(E241Kfs*11) is expected to be pathogenic in the context of HADHA-related disorders. This variant is predicted to lead to an abnormal or absent protein product due to the creation of a premature termination codon in HADHA, a gene where loss-of-function variants are known to be pathogenic. Please note: this variant was assessed in the context of healthy population screening.

NM_000182.5(HADHA):c.721del (p.Glu241fs)

Gene: HADHA (hydroxyacyl-CoA dehydrogenase trifunctional multienzyme complex subunit alpha; minus strand). Cytogenetic location: 2p23.3.
Variant type: Deletion.
Coding change: c.721del on transcript NM_000182.5 (MANE Select); coding-DNA position 721, one base deleted (G; older notation c.721delG).
Protein change: p.Glu241fs; shifts the reading frame from glutamic acid 241.
Molecular consequence: frameshift variant.
Genome position (GRCh38, 1-based): chr2:26,215,131, C deleted on the plus strand (G on the coding strand, the reverse complement: HADHA is on the minus strand). VCF-style (leftmost placement, unchanged base first): chr2-26215130-TC-T. GRCh37 (hg19) VCF-style: chr2-26437999-TC-T.
Other names: short protein forms E241fs.
Identifiers: ClinVar variation 4069008 (VCV004069008.3).
Genomic context (GRCh38, chr2:26,215,130, plus strand): 5'-TCTCTCTTTGGAGAGATCTTCTTATCAGCTAGTCCTTTGGCAAAAGTAATTGCAACTTCT[TC>T]TAGGTATTCTATTGTCCGTTCCTCTGGAGGTTTTAGTCCTGGTCCTATAAAAATGAATGC-3'